The following is an entry in ClinVar:

ClinVar aggregate classification (germline): Uncertain significance (1 of 4 stars; one submission).

Conditions:
Neurofibromatosis, type 1 (NF1). Also called: VON RECKLINGHAUSEN DISEASE; Peripheral type neurofibromatosis; Neurofibromatosis, type I; NEUROFIBROMATOSIS, TYPE I, SOMATIC. Identifiers: Orphanet 636, MedGen C0027831, MONDO:0018975, OMIM 162200. Disease mechanism: loss of function.

Submission:

Labcorp Genetics (formerly Invitae), Labcorp
Classification: Uncertain significance for Neurofibromatosis, type 1. Last evaluated: 2024-03-14. Review status: criteria provided, single submitter. Criteria: Invitae Variant Classification Sherloc (09022015). Collection method: clinical testing. Allele origin: germline.
Comment: This sequence change replaces isoleucine, which is neutral and non-polar, with serine, which is neutral and polar, at codon 2391 of the NF1 protein (p.Ile2391Ser). This variant is not present in population databases (gnomAD no frequency). This variant has not been reported in the literature in individuals affected with NF1-related conditions. Advanced modeling of protein sequence and biophysical properties (such as structural, functional, and spatial information, amino acid conservation, physicochemical variation, residue mobility, and thermodynamic stability) performed at Invitae indicates that this missense variant is expected to disrupt NF1 protein function with a positive predictive value of 95%. In summary, the available evidence is currently insufficient to determine the role of this variant in disease. Therefore, it has been classified as a Variant of Uncertain Significance.

NM_001042492.3(NF1):c.7235T>G (p.Ile2412Ser)

Gene: NF1 (neurofibromin 1; plus strand). Cytogenetic location: 17q11.2.
Variant type: single nucleotide variant.
Coding change: c.7235T>G on transcript NM_001042492.3 (MANE Select); coding-DNA position 7235, T replaced by G.
Protein change: p.Ile2412Ser; replaces isoleucine 2412 with serine.
Molecular consequence: missense variant.
Genome position (GRCh38, 1-based): chr17:31,349,165, T>G. VCF-style: chr17-31349165-T-G. GRCh37 (hg19) VCF-style: chr17-29676183-T-G.
Other names: c.7172T>G, p.Ile2391Ser (NM_000267.4); short protein forms I2412S, I2391S.
Identifiers: ClinVar variation 2822450 (VCV002822450.3), dbSNP rs2151572614, ClinGen allele CA399016745.